The following is an entry in ClinVar:

NM_004153.4(ORC1):c.1756-1G>A

Gene: ORC1 (origin recognition complex subunit 1; minus strand). Cytogenetic location: 1p32.3.
Variant type: single nucleotide variant.
Coding change: c.1756-1G>A on transcript NM_004153.4 (MANE Select); the canonical splice acceptor site of the intron before coding-DNA position 1756, G replaced by A.
Molecular consequence: splice acceptor variant.
Genome position (GRCh38, 1-based): chr1:52,383,938, C>T on the plus strand (G>A on the coding strand, the complement: ORC1 is on the minus strand). VCF-style: chr1-52383938-C-T. GRCh37 (hg19) VCF-style: chr1-52849610-C-T.
Other names: c.1756-1G>A (NM_001190818.2); c.1741-1G>A (NM_001190819.2).
Identifiers: ClinVar variation 1517600 (VCV001517600.6), dbSNP rs935928788, ClinGen allele CA22509808.

ClinVar aggregate classification (germline): Likely pathogenic (1 of 4 stars; one submission).

Allele frequency attached by ClinVar (database versions not stated): TOPMed 0.00002.

Submission:

Labcorp Genetics (formerly Invitae), Labcorp
Classification: Likely pathogenic. Last evaluated: 2022-05-17. Review status: criteria provided, single submitter. Criteria: Invitae Variant Classification Sherloc (09022015). Collection method: clinical testing. Allele origin: germline.
Comment: In summary, the currently available evidence indicates that the variant is pathogenic, but additional data are needed to prove that conclusively. Therefore, this variant has been classified as Likely Pathogenic. Algorithms developed to predict the effect of sequence changes on RNA splicing suggest that this variant may disrupt the consensus splice site. This variant has not been reported in the literature in individuals affected with ORC1-related conditions. This variant is not present in population databases (gnomAD no frequency). This sequence change affects an acceptor splice site in intron 11 of the ORC1 gene. It is expected to disrupt RNA splicing. Variants that disrupt the donor or acceptor splice site typically lead to a loss of protein function (PMID: 16199547), and loss-of-function variants in ORC1 are known to be pathogenic (PMID: 21358633).

Literature cited by the submitters: PubMed 16199547; PubMed 21358633.